The following is an entry in ClinVar:

ClinVar aggregate classification (germline): Uncertain significance (1 of 4 stars; one submission).

Conditions:
Inborn genetic diseases. Identifiers: MedGen C0950123, MeSH D030342.

Submission:

Ambry Genetics
Classification: Uncertain significance for Inborn genetic diseases. Last evaluated: 2025-04-20. Review status: criteria provided, single submitter. Criteria: Ambry Variant Classification Scheme 2023. Collection method: clinical testing. Allele origin: germline.
Comment: The p.M122T variant (also known as c.365T>C), located in coding exon 1 of the SAMD9 gene, results from a T to C substitution at nucleotide position 365. The methionine at codon 122 is replaced by threonine, an amino acid with similar properties. This amino acid position is conserved. In addition, this alteration is predicted to be tolerated by in silico analysis. Based on the available evidence, the clinical significance of this variant remains unclear.

NM_017654.4(SAMD9):c.365T>C (p.Met122Thr)

Gene: SAMD9 (sterile alpha motif domain containing 9; minus strand). Cytogenetic location: 7q21.2.
Variant type: single nucleotide variant.
Coding change: c.365T>C on transcript NM_017654.4 (MANE Select); coding-DNA position 365, T replaced by C.
Protein change: p.Met122Thr; replaces methionine 122 with threonine.
Molecular consequence: missense variant.
Genome position (GRCh38, 1-based): chr7:93,105,733, A>G on the plus strand (T>C on the coding strand, the complement: SAMD9 is on the minus strand). VCF-style: chr7-93105733-A-G. GRCh37 (hg19) VCF-style: chr7-92735046-A-G.
Other names: c.365T>C, p.Met122Thr (NM_001193307.2); short protein forms M122T.
Identifiers: ClinVar variation 3949580 (VCV003949580.1).